The following is an entry in ClinVar:

NM_000038.6(APC):c.8398G>C (p.Ala2800Pro)

Gene: APC (APC regulator of Wnt signaling pathway; plus strand). Cytogenetic location: 5q22.2.
Variant type: single nucleotide variant.
Coding change: c.8398G>C on transcript NM_000038.6 (MANE Select); coding-DNA position 8398, G replaced by C.
Protein change: p.Ala2800Pro; replaces alanine 2800 with proline.
Molecular consequence: missense variant.
Genome position (GRCh38, 1-based): chr5:112,843,992, G>C. VCF-style: chr5-112843992-G-C. GRCh37 (hg19) VCF-style: chr5-112179689-G-C.
Other names: c.8398G>C, p.Ala2800Pro (NM_001127510.3, NM_001354895.2); c.8344G>C, p.Ala2782Pro (NM_001127511.3); c.8452G>C, p.Ala2818Pro (NM_001354896.2); c.8428G>C, p.Ala2810Pro (NM_001354897.2); c.8323G>C, p.Ala2775Pro (NM_001354898.2); c.8314G>C, p.Ala2772Pro (NM_001354899.2); c.8275G>C, p.Ala2759Pro (NM_001354900.2); c.8221G>C, p.Ala2741Pro (NM_001354901.2); and 5 more; short protein forms A2517P, A2782P, A2800P, A2699P, A2818P, A2640P, A2674P, A2759P.
Identifiers: ClinVar variation 957199 (VCV000957199.12), dbSNP rs1554089100, ClinGen allele CA16039559.
Genomic context (GRCh38, chr5:112,843,992, plus strand): 5'-AGAGTGACTCCTTTTAATTACAACCCAAGCCCTAGGAAAAGCAGCGCAGATAGCACTTCA[G>C]CTCGGCCATCTCAGATCCCAACTCCAGTGAATAACAACACAAAGAAGCGAGATTCCAAAA-3'
Protein context (NP_000029.2, residues 2790-2810): PRKSSADSTS[Ala2800Pro]RPSQIPTPVN

ClinVar aggregate classification (germline): Uncertain significance. Review status: criteria provided, multiple submitters, no conflicts (2 of 4 stars). 2 submissions from 2 submitters: Uncertain significance (2). Last evaluated 2024-12-29.

Conditions:
Familial adenomatous polyposis 1 (FAP1). Also called: FAMILIAL ADENOMATOUS POLYPOSIS 1, ATTENUATED; POLYPOSIS, ADENOMATOUS INTESTINAL. Identifiers: MedGen C2713442, MONDO:0021056, OMIM 175100. Disease mechanism: loss of function.
Hereditary cancer-predisposing syndrome. Also called: Hereditary neoplastic syndrome; Tumor predisposition; Neoplastic Syndromes, Hereditary; Hereditary Cancer Syndrome. Identifiers: Orphanet 140162, MedGen C0027672, MeSH D009386, MONDO:0015356.

gnomAD v4.1: 2 of 1,601,128 alleles (0.00012%); highest among the groups gnomAD compares: Middle Eastern, 0.034%; 1 homozygote.

Submissions (2):

Labcorp Genetics (formerly Invitae), Labcorp
Classification: Uncertain significance for Familial adenomatous polyposis 1. Last evaluated: 2024-12-29. Review status: criteria provided, single submitter. Criteria: Invitae Variant Classification Sherloc (09022015). Collection method: clinical testing. Allele origin: germline.
Comment: This sequence change replaces alanine, which is neutral and non-polar, with proline, which is neutral and non-polar, at codon 2800 of the APC protein (p.Ala2800Pro). This variant is not present in population databases (gnomAD no frequency). This variant has not been reported in the literature in individuals affected with APC-related conditions. ClinVar contains an entry for this variant (Variation ID: 957199). Invitae Evidence Modeling of protein sequence and biophysical properties (such as structural, functional, and spatial information, amino acid conservation, physicochemical variation, residue mobility, and thermodynamic stability) indicates that this missense variant is not expected to disrupt APC protein function with a negative predictive value of 95%. In summary, the available evidence is currently insufficient to determine the role of this variant in disease. Therefore, it has been classified as a Variant of Uncertain Significance.

Ambry Genetics
Classification: Uncertain significance for Hereditary cancer-predisposing syndrome. Last evaluated: 2023-10-25. Review status: criteria provided, single submitter. Criteria: Ambry Variant Classification Scheme 2023. Collection method: clinical testing. Allele origin: germline.
Comment: The p.A2800P variant (also known as c.8398G>C), located in coding exon 15 of the APC gene, results from a G to C substitution at nucleotide position 8398. The alanine at codon 2800 is replaced by proline, an amino acid with highly similar properties. This amino acid position is well conserved in available vertebrate species. In addition, in silico predictors for this gene do not accurately predict pathogenicity. Since supporting evidence is limited at this time, the clinical significance of this alteration remains unclear.